The following is an entry in ClinVar:

ClinVar aggregate classification (germline): Pathogenic. Review status: criteria provided, multiple submitters, no conflicts (2 of 4 stars). 2 submissions from 2 submitters: Pathogenic (2). Last evaluated 2025-08-20.

Conditions:
Familial cancer of breast. Also called: hereditary breast carcinoma; Hereditary breast cancer; BREAST CANCER, FAMILIAL. Identifiers: Orphanet 227535, MedGen C0346153, MONDO:0016419, OMIM 114480. Disease mechanism: loss of function.

Submissions (2):

Labcorp Genetics (formerly Invitae), Labcorp
Classification: Pathogenic for Familial cancer of breast. Last evaluated: 2025-08-20. Review status: criteria provided, single submitter. Criteria: Invitae Variant Classification Sherloc (09022015). Collection method: clinical testing. Allele origin: germline.
Comment: This sequence change creates a premature translational stop signal (p.Cys410*) in the CHEK2 gene. It is expected to result in an absent or disrupted protein product. Loss-of-function variants in CHEK2 are known to be pathogenic (PMID: 21876083, 24713400). This variant is not present in population databases (gnomAD no frequency). This variant has not been reported in the literature in individuals affected with CHEK2-related conditions. ClinVar contains an entry for this variant (Variation ID: 847853). For these reasons, this variant has been classified as Pathogenic.

Myriad Genetics, Inc.
Classification: Pathogenic for Familial cancer of breast. Last evaluated: 2023-06-28. Review status: criteria provided, single submitter. Criteria: Myriad Autosomal Dominant, Autosomal Recessive and X-Linked Classification Criteria (2023). Collection method: clinical testing. Allele origin: unknown.
Comment: This variant is considered pathogenic. This variant creates a termination codon and is predicted to result in premature protein truncation.

Literature cited by the submitters: PubMed 21876083 (cited by Labcorp Genetics (formerly Invitae), Labcorp); PubMed 24713400 (cited by Labcorp Genetics (formerly Invitae), Labcorp).

NM_007194.4(CHEK2):c.1230C>A (p.Cys410Ter)

Gene: CHEK2 (checkpoint kinase 2; minus strand). Cytogenetic location: 22q12.1.
Variant type: single nucleotide variant.
Coding change: c.1230C>A on transcript NM_007194.4 (MANE Select); coding-DNA position 1230, C replaced by A.
Protein change: p.Cys410Ter; replaces cysteine 410 with a stop codon.
Molecular consequence: nonsense.
Genome position (GRCh38, 1-based): chr22:28,695,739, G>T on the plus strand (C>A on the coding strand, the complement: CHEK2 is on the minus strand). VCF-style: chr22-28695739-G-T. GRCh37 (hg19) VCF-style: chr22-29091727-G-T.
Other names: c.1359C>A, p.Cys453Ter (NM_001005735.3); c.567C>A, p.Cys189Ter (NM_001257387.3); c.1029C>A, p.Cys343Ter (NM_001349956.3); c.1143C>A, p.Cys381Ter (NM_145862.3); short protein forms C381*, C453*, C189*, C410*, C343*.
Identifiers: ClinVar variation 847853 (VCV000847853.10), dbSNP rs773380144, ClinGen allele CA411096651.